The following is an entry in ClinVar:

ClinVar aggregate classification (germline): Likely benign (1 of 4 stars; one submission).

Submission:

CeGaT Center for Human Genetics Tuebingen
Classification: Likely benign. Last evaluated: 2022-05-01. Review status: criteria provided, single submitter. Criteria: CeGaT Center For Human Genetics Tuebingen Variant Classification Criteria Version 2. Collection method: clinical testing. Allele origin: germline. Affected: yes. Observed: 1 variant allele.
Comment: NECAP1: PM2:Supporting, BP4, BP7

NM_015509.4(NECAP1):c.456C>G (p.Gly152=)

Gene: NECAP1 (NECAP endocytosis associated 1; plus strand). Cytogenetic location: 12p13.31.
Variant type: single nucleotide variant.
Coding change: c.456C>G on transcript NM_015509.4 (MANE Select); coding-DNA position 456, C replaced by G.
Protein change: p.Gly152=; no amino-acid change (glycine 152 retained).
Molecular consequence: synonymous variant. On other transcripts: non-coding transcript variant (1).
Genome position (GRCh38, 1-based): chr12:8,092,748, C>G. VCF-style: chr12-8092748-C-G. GRCh37 (hg19) VCF-style: chr12-8245344-C-G.
Identifiers: ClinVar variation 2642684 (VCV002642684.24), dbSNP rs2498178934, ClinGen allele CA478234162.